The following is an entry in ClinVar:

ClinVar aggregate classification (germline): Uncertain significance (1 of 4 stars; one submission).

Allele frequency attached by ClinVar (database versions not stated): gnomAD exomes below 0.00001; TOPMed 0.00001.
gnomAD v4.1: 3 of 1,510,318 alleles (0.0002%); highest among the groups gnomAD compares: East Asian, 0.0023%; no homozygotes.

Submission:

Labcorp Genetics (formerly Invitae), Labcorp
Classification: Uncertain significance. Last evaluated: 2025-03-03. Review status: criteria provided, single submitter. Criteria: Invitae Variant Classification Sherloc (09022015). Collection method: clinical testing. Allele origin: germline.
Comment: This sequence change replaces aspartic acid, which is acidic and polar, with glutamic acid, which is acidic and polar, at codon 254 of the POLR3F protein (p.Asp254Glu). This variant is not present in population databases (gnomAD no frequency). This variant has not been reported in the literature in individuals affected with POLR3F-related conditions. ClinVar contains an entry for this variant (Variation ID: 2043674). Experimental studies and prediction algorithms are not available or were not evaluated, and the functional significance of this variant is currently unknown. In summary, the available evidence is currently insufficient to determine the role of this variant in disease. Therefore, it has been classified as a Variant of Uncertain Significance.

NM_006466.4(POLR3F):c.885C>A (p.Asp295Glu)

Gene: POLR3F (RNA polymerase III subunit F; plus strand). Cytogenetic location: 20p11.23.
Variant type: single nucleotide variant.
Coding change: c.885C>A on transcript NM_006466.4 (MANE Select); coding-DNA position 885, C replaced by A.
Protein change: p.Asp295Glu; replaces aspartic acid 295 with glutamic acid.
Molecular consequence: missense variant. On other transcripts: non-coding transcript variant (1).
Genome position (GRCh38, 1-based): chr20:18,483,492, C>A. VCF-style: chr20-18483492-C-A. GRCh37 (hg19) VCF-style: chr20-18464136-C-A.
Other names: c.762C>A, p.Asp254Glu (NM_001282526.2); c.741C>A, p.Asp247Glu (NM_001410821.1); short protein forms D247E, D295E, D254E.
Identifiers: ClinVar variation 2043674 (VCV002043674.4), dbSNP rs2059821573, ClinGen allele CA408353720.